The following is an entry in ClinVar:

NM_001384140.1(PCDH15):c.1627G>A (p.Glu543Lys)

Gene: PCDH15 (protocadherin related 15; minus strand). Cytogenetic location: 10q21.1.
Variant type: single nucleotide variant.
Coding change: c.1627G>A on transcript NM_001384140.1 (MANE Select); coding-DNA position 1627, G replaced by A.
Protein change: p.Glu543Lys; replaces glutamic acid 543 with lysine.
Molecular consequence: missense variant.
Genome position (GRCh38, 1-based): chr10:54,153,257, C>T on the plus strand (G>A on the coding strand, the complement: PCDH15 is on the minus strand). VCF-style: chr10-54153257-C-T. GRCh37 (hg19) VCF-style: chr10-55913017-C-T.
Other names: c.1642G>A, p.Glu548Lys (NM_001142763.2, NM_001142771.2); c.1627G>A, p.Glu543Lys (NM_001142764.2, NM_001142765.2, NM_001142766.2 and 6 more transcripts); c.1516G>A, p.Glu506Lys (NM_001142767.2); c.1561G>A, p.Glu521Lys (NM_001142768.2, NM_001142773.2, NM_001354404.2); c.1663G>A, p.Glu555Lys (NM_001142769.4); c.1648G>A, p.Glu550Lys (NM_001354411.2); short protein forms E555K, E521K, E543K, E548K, E550K, E506K.
Identifiers: ClinVar variation 1400856 (VCV001400856.5), dbSNP rs187850596, ClinGen allele CA5506306.

ClinVar aggregate classification (germline): Uncertain significance. Review status: criteria provided, multiple submitters, no conflicts (2 of 4 stars). 3 submissions from 3 submitters: Uncertain significance (3). Last evaluated 2025-04-28.

Conditions:
PCDH15-related disorder. Also called: PCDH15-related disorders; PCDH15-related condition.

Allele frequency attached by ClinVar (database versions not stated): ExAC 0.00001; gnomAD exomes 0.00004; TOPMed 0.00004; gnomAD 0.00006; 1000 Genomes Project 30x 0.00016; 1000 Genomes Project 0.00020.
gnomAD v4.1: 68 of 1,613,778 alleles (0.0042%); highest among the groups gnomAD compares: Non-Finnish European, 0.0054%; no homozygotes.

Submissions (3):

Labcorp Genetics (formerly Invitae), Labcorp
Classification: Uncertain significance. Last evaluated: 2025-04-28. Review status: criteria provided, single submitter. Criteria: Invitae Variant Classification Sherloc (09022015). Collection method: clinical testing. Allele origin: germline.
Comment: This sequence change replaces glutamic acid, which is acidic and polar, with lysine, which is basic and polar, at codon 543 of the PCDH15 protein (p.Glu543Lys). The frequency data for this variant in the population databases is considered unreliable, as metrics indicate poor data quality at this position in the gnomAD database. This variant has not been reported in the literature in individuals affected with PCDH15-related conditions. ClinVar contains an entry for this variant (Variation ID: 1400856). Invitae Evidence Modeling of protein sequence and biophysical properties (such as structural, functional, and spatial information, amino acid conservation, physicochemical variation, residue mobility, and thermodynamic stability) indicates that this missense variant is not expected to disrupt PCDH15 protein function with a negative predictive value of 95%. In summary, the available evidence is currently insufficient to determine the role of this variant in disease. Therefore, it has been classified as a Variant of Uncertain Significance.

PreventionGenetics, part of Exact Sciences
Classification: Uncertain significance for PCDH15-related condition. Last evaluated: 2025-03-25. Review status: criteria provided, single submitter. Criteria: ACMG Guidelines, 2015. Collection method: clinical testing. Allele origin: germline.
Comment: The PCDH15 c.1627G>A variant is predicted to result in the amino acid substitution p.Glu543Lys. To our knowledge, this variant has not been reported in the literature. This variant is reported in 0.0085% of alleles in individuals of Latino descent in gnomAD. At this time, the clinical significance of this variant is uncertain due to the absence of conclusive functional and genetic evidence.

GeneDx
Classification: Uncertain significance. Last evaluated: 2022-12-28. Review status: criteria provided, single submitter. Criteria: GeneDx Variant Classification Process June 2021. Collection method: clinical testing. Allele origin: germline. Affected: yes.
Comment: In silico analysis supports that this missense variant does not alter protein structure/function; Has not been previously published as pathogenic or benign to our knowledge